The following is an entry in ClinVar:

ClinVar aggregate classification (germline): Likely benign. Review status: criteria provided, multiple submitters, no conflicts (2 of 4 stars). 3 submissions from 3 submitters: Likely benign (3). Last evaluated 2026-01-05.

Conditions:
MRPS2-related disorder. Also called: MRPS2-related condition.

Allele frequency attached by ClinVar (database versions not stated): gnomAD 0.00022 and 0.00024.
gnomAD v4.1: 337 of 1,611,258 alleles (0.021%); highest among the groups gnomAD compares: Non-Finnish European, 0.019%; no homozygotes.

Submissions (3):

Labcorp Genetics (formerly Invitae), Labcorp
Classification: Likely benign. Last evaluated: 2026-01-05. Review status: criteria provided, single submitter. Criteria: Invitae Variant Classification Sherloc (09022015). Collection method: clinical testing. Allele origin: germline.

Laboratory of Genetics, Children's Clinical University Hospital Latvia
Classification: Likely benign. Last evaluated: 2025-02-16. Review status: criteria provided, single submitter. Criteria: ACMG Guidelines, 2015. Collection method: clinical testing. Allele origin: germline. Affected: yes.

PreventionGenetics, part of Exact Sciences
Classification: Likely benign for MRPS2-related condition. Last evaluated: 2025-01-16. Review status: criteria provided, single submitter. Criteria: ACMG Guidelines, 2015. Collection method: clinical testing. Allele origin: germline.
Comment: This variant is classified as likely benign based on ACMG/AMP sequence variant interpretation guidelines (Richards et al. 2015 PMID: 25741868, with internal and published modifications).

NM_016034.5(MRPS2):c.44-8C>A

Gene: MRPS2 (mitochondrial ribosomal protein S2; plus strand). Cytogenetic location: 9q34.3.
Variant type: single nucleotide variant.
Coding change: c.44-8C>A on transcript NM_016034.5 (MANE Select); 8 bases into the intron before coding-DNA position 44, C replaced by A.
Molecular consequence: intron variant.
Genome position (GRCh38, 1-based): chr9:135,500,990, C>A. VCF-style: chr9-135500990-C-A. GRCh37 (hg19) VCF-style: chr9-138392836-C-A.
Other names: c.44-8C>A (NM_001371401.1, NM_016034.4).
Identifiers: ClinVar variation 1542228 (VCV001542228.10), dbSNP rs201279394, ClinGen allele CA5323778.